The following is an entry in ClinVar:

NM_005422.4(TECTA):c.4999G>A (p.Glu1667Lys)

Genes: TBCEL-TECTA (TBCEL-TECTA readthrough; plus strand), TECTA (tectorin alpha; plus strand). Cytogenetic location: 11q23.3.
Variant type: single nucleotide variant.
Coding change: c.4999G>A on transcript NM_005422.4 (MANE Select); coding-DNA position 4999, G replaced by A.
Protein change: p.Glu1667Lys; replaces glutamic acid 1667 with lysine.
Molecular consequence: missense variant.
Genome position (GRCh38, 1-based): chr11:121,162,097, G>A. VCF-style: chr11-121162097-G-A. GRCh37 (hg19) VCF-style: chr11-121032806-G-A.
Other names: c.5941G>A, p.Glu1981Lys (NM_001378761.1); short protein forms E1667K, E1981K.
Identifiers: ClinVar variation 4980181 (VCV004980181.1).
Genomic context (GRCh38, chr11:121,162,097, plus strand): 5'-TCTCAGATGGCTGTTTTTGCTTCACTCAGTCTGACCAGACCTCTTGCCCCCAGCTGCAAC[G>A]AGCTGCAGTTCTCACAGTATGCAGCCATGTGTGACAATGTGCACATCCAGAAGATGCAGG-3'
Protein context (NP_005413.2, residues 1657-1677): QKRPLAPSCN[Glu1667Lys]LQFSQYAAMC

ClinVar aggregate classification (germline): Uncertain significance (1 of 4 stars; one submission).

Conditions:
TECTA-related disorder. Also called: TECTA-related condition.

gnomAD v4.1: 10 of 1,613,958 alleles (0.00062%); highest among the groups gnomAD compares: Admixed American, 0.0033%; no homozygotes.

Submission:

PreventionGenetics, part of Exact Sciences
Classification: Uncertain significance for TECTA-related condition. Last evaluated: 2025-06-17. Review status: criteria provided, single submitter. Criteria: ACMG Guidelines, 2015. Collection method: clinical testing. Allele origin: germline.
Comment: The TECTA c.4999G>A variant is predicted to result in the amino acid substitution p.Glu1667Lys. To our knowledge, this variant has not been reported in the literature. This variant is reported in 0.0029% of alleles in individuals of Latino descent in gnomAD. At this time, the clinical significance of this variant is uncertain due to the absence of conclusive functional and genetic evidence.